The following is an entry in ClinVar:

ClinVar aggregate classification (germline): Likely benign. Review status: criteria provided, multiple submitters, no conflicts (2 of 4 stars). 4 submissions from 4 submitters: Likely benign (4). Last evaluated 2025-08-22.

Conditions:
Inborn genetic diseases. Identifiers: MedGen C0950123, MeSH D030342.
Landau-Kleffner syndrome (FESD). Also called: EPILEPSY, FOCAL, WITH SPEECH DISORDER AND WITH OR WITHOUT MENTAL RETARDATION; APHASIA, ACQUIRED, WITH EPILEPSY. Identifiers: Orphanet 1945, Orphanet 725, Orphanet 98818, MedGen C0282512, MONDO:0009509, OMIM 245570.

Allele frequency attached by ClinVar (database versions not stated): gnomAD exomes 0.00003; 1000 Genomes Project 30x 0.00047; 1000 Genomes Project 0.00020; ExAC 0.00002.
gnomAD v4.1: 13 of 1,614,068 alleles (0.00081%); highest among the groups gnomAD compares: Admixed American, 0.015%; no homozygotes.

Submissions (4):

Labcorp Genetics (formerly Invitae), Labcorp
Classification: Likely benign for Landau-Kleffner syndrome. Last evaluated: 2025-08-22. Review status: criteria provided, single submitter. Criteria: Invitae Variant Classification Sherloc (09022015). Collection method: clinical testing. Allele origin: germline.

CeGaT Center for Human Genetics Tuebingen
Classification: Likely benign. Last evaluated: 2023-02-01. Review status: criteria provided, single submitter. Criteria: CeGaT Center For Human Genetics Tuebingen Variant Classification Criteria Version 2. Collection method: clinical testing. Allele origin: germline. Affected: yes. Observed: 1 variant allele.
Comment: GRIN2A: BP4

Ambry Genetics
Classification: Likely benign for Inborn genetic diseases. Last evaluated: 2021-06-02. Review status: criteria provided, single submitter. Criteria: Ambry Variant Classification Scheme 2023. Collection method: clinical testing. Allele origin: germline.

GeneDx
Classification: Likely benign. Last evaluated: 2020-03-18. Review status: criteria provided, single submitter. Criteria: GeneDx Variant Classification Process June 2021. Collection method: clinical testing. Allele origin: germline. Affected: yes.

NM_001134407.3(GRIN2A):c.4205G>A (p.Arg1402Gln)

Gene: GRIN2A (glutamate ionotropic receptor NMDA type subunit 2A; minus strand). Cytogenetic location: 16p13.2.
Variant type: single nucleotide variant.
Coding change: c.4205G>A on transcript NM_001134407.3 (MANE Select); coding-DNA position 4205, G replaced by A.
Protein change: p.Arg1402Gln; replaces arginine 1402 with glutamine.
Molecular consequence: missense variant. On other transcripts: 3 prime UTR variant (1).
Genome position (GRCh38, 1-based): chr16:9,763,339, C>T on the plus strand (G>A on the coding strand, the complement: GRIN2A is on the minus strand). VCF-style: chr16-9763339-C-T. GRCh37 (hg19) VCF-style: chr16-9857196-C-T.
Other names: c.4205G>A, p.Arg1402Gln (NM_000833.5); c.*16G>A (NM_001134408.2); short protein forms R1402Q.
Identifiers: ClinVar variation 580884 (VCV000580884.39), dbSNP rs74935155, ClinGen allele CA7896199.